The following is an entry in ClinVar:

NM_015087.5(SPART):c.492A>G (p.Gln164=)

Gene: SPART (spartin; minus strand). Cytogenetic location: 13q13.3.
Variant type: single nucleotide variant.
Coding change: c.492A>G on transcript NM_015087.5 (MANE Select); coding-DNA position 492, A replaced by G.
Protein change: p.Gln164=; no amino-acid change (glutamine 164 retained).
Molecular consequence: synonymous variant.
Genome position (GRCh38, 1-based): chr13:36,335,339, T>C on the plus strand (A>G on the coding strand, the complement: SPART is on the minus strand). VCF-style: chr13-36335339-T-C. GRCh37 (hg19) VCF-style: chr13-36909476-T-C.
Other names: c.492A>G, p.Gln164= (NM_001142294.2, NM_001142295.2, NM_001142296.2).
Identifiers: ClinVar variation 2643771 (VCV002643771.26), dbSNP rs766625328, ClinGen allele CA6949628.
Genomic context (GRCh38, chr13:36,335,339, plus strand): 5'-AGTGTAGTGACCTTCAGCAGCTTGAGGAGTATAAGCAGGAGGAGCTTCTGCTGGACAACT[T>C]TGTGATGGTAAAGACAGAGAAGCAGGTGCAGCAACTGCCCCTGCACTTGGAGTTGAGGTG-3'
Protein context (NP_055902.1, residues 154-174): AAPASLSLPS[Gln164=]SCPAEAPPAY

ClinVar aggregate classification (germline): Likely benign. Review status: criteria provided, multiple submitters, no conflicts (2 of 4 stars). 2 submissions from 2 submitters: Likely benign (2). Last evaluated 2024-10-20.

Allele frequency attached by ClinVar (database versions not stated): gnomAD exomes below 0.00001; ExAC 0.00002; gnomAD 0.00002; TOPMed 0.00003.

Submissions (2):

Labcorp Genetics (formerly Invitae), Labcorp
Classification: Likely benign. Last evaluated: 2024-10-20. Review status: criteria provided, single submitter. Criteria: Invitae Variant Classification Sherloc (09022015). Collection method: clinical testing. Allele origin: germline.

CeGaT Center for Human Genetics Tuebingen
Classification: Likely benign. Last evaluated: 2023-08-01. Review status: criteria provided, single submitter. Criteria: CeGaT Center For Human Genetics Tuebingen Variant Classification Criteria Version 2. Collection method: clinical testing. Allele origin: germline. Affected: yes. Observed: 1 variant allele.
Comment: SPART: BP4, BP7